The following is an entry in ClinVar:

NM_004341.5(CAD):c.2501G>A (p.Arg834His)

Genes: CAD (carbamoyl-phosphate synthetase 2, aspartate transcarbamylase, and dihydroorotase; plus strand), LOC126806171 (BRD4-independent group 4 enhancer GRCh37_chr2:27454350-27455549; plus strand). Cytogenetic location: 2p23.3.
Variant type: single nucleotide variant.
Coding change: c.2501G>A on transcript NM_004341.5 (MANE Select); coding-DNA position 2501, G replaced by A.
Protein change: p.Arg834His; replaces arginine 834 with histidine.
Molecular consequence: missense variant.
Genome position (GRCh38, 1-based): chr2:27,232,080, G>A. VCF-style: chr2-27232080-G-A. GRCh37 (hg19) VCF-style: chr2-27454948-G-A.
Other names: c.2312G>A, p.Arg771His (NM_001306079.2); short protein forms R771H, R834H.
Identifiers: ClinVar variation 1350930 (VCV001350930.3), dbSNP rs761503191, ClinGen allele CA1573035.
Genomic context (GRCh38, chr2:27,232,080, plus strand): 5'-CAGCTGCTTTGTGGGCTGGTTATTCAGTGGACCGCCTGTATGAGCTCACACGCATCGACC[G>A]CTGGTTCCTGCACCGAATGAAGCGTATCATCGCACATGCCCAGCTGCTAGAACAACACCG-3'
Protein context (NP_004332.2, residues 824-844): DRLYELTRID[Arg834His]WFLHRMKRII

ClinVar aggregate classification (germline): Uncertain significance (1 of 4 stars; one submission).

Allele frequency attached by ClinVar (database versions not stated): ExAC 0.00001; gnomAD 0.00001; gnomAD exomes 0.00001.
gnomAD v4.1: 16 of 1,614,110 alleles (0.00099%); highest among the groups gnomAD compares: East Asian, 0.0022%; no homozygotes.

Submission:

Labcorp Genetics (formerly Invitae), Labcorp
Classification: Uncertain significance. Last evaluated: 2022-08-06. Review status: criteria provided, single submitter. Criteria: Invitae Variant Classification Sherloc (09022015). Collection method: clinical testing. Allele origin: germline.
Comment: This sequence change replaces arginine, which is basic and polar, with histidine, which is basic and polar, at codon 834 of the CAD protein (p.Arg834His). This variant is present in population databases (rs761503191, gnomAD 0.002%). This variant has not been reported in the literature in individuals affected with CAD-related conditions. ClinVar contains an entry for this variant (Variation ID: 1350930). Algorithms developed to predict the effect of missense changes on protein structure and function (SIFT, PolyPhen-2, Align-GVGD) all suggest that this variant is likely to be tolerated. In summary, the available evidence is currently insufficient to determine the role of this variant in disease. Therefore, it has been classified as a Variant of Uncertain Significance.